The following is an entry in ClinVar:

ClinVar aggregate classification (germline): Benign. Review status: reviewed by expert panel (3 of 4 stars). 2 submissions from 2 submitters: Benign (1). 1 of the submissions does not count toward it. Last evaluated 2015-01-12.

Conditions:
Breast-ovarian cancer, familial, susceptibility to, 1 (BROVCA1). Also called: BRCA1 Hereditary Breast and Ovarian Cancer; OVARIAN CANCER, SUSCEPTIBILITY TO. Identifiers: Orphanet 145, MedGen C2676676, MONDO:0011450, OMIM 604370. Disease mechanism: loss of function.

Allele frequency attached by ClinVar (database versions not stated): 1000 Genomes Project 30x 0.00437; TOPMed 0.00536; 1000 Genomes Project 0.00539; gnomAD 0.00582 and 0.00626.
gnomAD v4.1: 875 of 152,238 alleles (0.57%); highest among the groups gnomAD compares: African/African-American, 1.6%; 12 homozygotes.

Submissions (2):

Evidence-based Network for the Interpretation of Germline Mutant Alleles (ENIGMA)
Classification: Benign for Breast-ovarian cancer, familial 1. Last evaluated: 2015-01-12. Review status: reviewed by expert panel. Criteria: ENIGMA BRCA1/2 Classification Criteria (2015). Collection method: curation. Allele origin: germline.
Comment: Class 1 not pathogenic based on frequency >1% in an outbred sampleset. Frequency 0.02033 (African), derived from 1000 genomes (2012-04-30).

GeneDx
Classification: Likely benign. Last evaluated: 2018-06-23. Review status: criteria provided, single submitter. Criteria: GeneDx Variant Classification Process June 2021. Collection method: clinical testing. Allele origin: germline. Affected: yes. Not counted in ClinVar's aggregate classification.

NM_007294.4(BRCA1):c.80+379C>T

Gene: BRCA1 (BRCA1 DNA repair associated; minus strand). Cytogenetic location: 17q21.31.
Variant type: single nucleotide variant.
Coding change: c.80+379C>T on transcript NM_007294.4 (MANE Select); 379 bases into the intron after coding-DNA position 80, C replaced by T.
Molecular consequence: intron variant.
Genome position (GRCh38, 1-based): chr17:43,123,638, G>A on the plus strand (C>T on the coding strand, the complement: BRCA1 is on the minus strand). VCF-style: chr17-43123638-G-A. GRCh37 (hg19) VCF-style: chr17-41275655-G-A.
Other names: IVS 2+379C>T; c.-109+379C>T (NM_001408490.1, NM_001407915.1, NM_001407916.1 and 46 more transcripts); c.80+379C>T (NM_001407646.1, NM_001408445.1, NM_001408432.1 and 192 more transcripts); c.-340+379C>T (NM_001407965.1); c.-178+379C>T (NM_001407930.1, NM_001407843.1, NM_001408456.1 and 11 more transcripts); c.-182+379C>T (NM_001408465.1, NM_001407695.1); c.-254+379C>T (NM_001408482.1); c.-207+379C>T (NM_001407920.1, NM_001407697.1, NM_001407846.1); and 24 more.
Identifiers: ClinVar variation 209572 (VCV000209572.4), dbSNP rs113117695, ClinGen allele CA276541.